The following is an entry in ClinVar:

NM_004168.4(SDHA):c.1794+4G>T

Gene: SDHA (succinate dehydrogenase complex flavoprotein subunit A; plus strand). Cytogenetic location: 5p15.33.
Variant type: single nucleotide variant.
Coding change: c.1794+4G>T on transcript NM_004168.4 (MANE Select); 4 bases into the intron after coding-DNA position 1794, G replaced by T.
Molecular consequence: intron variant.
Genome position (GRCh38, 1-based): chr5:251,472, G>T. VCF-style: chr5-251472-G-T. GRCh37 (hg19) VCF-style: chr5-251587-G-T.
Other names: c.1552-2921G>T (NM_001330758.2); c.1650+4G>T (NM_001294332.2).
Identifiers: ClinVar variation 2933483 (VCV002933483.3), dbSNP rs746391130, ClinGen allele CA2740091641.

ClinVar aggregate classification (germline): Uncertain significance (1 of 4 stars; one submission).

Conditions:
Mitochondrial complex II deficiency, nuclear type 1. Also called: SUCCINATE CoQ REDUCTASE DEFICIENCY. Identifiers: Orphanet 3208, MedGen C5700310, MONDO:0100294, OMIM 252011.
Pheochromocytoma/paraganglioma syndrome 5. Also called: Paragangliomas 5; SDHA-Related Hereditary Paraganglioma-Pheochromocytoma Syndrome. Identifiers: Orphanet 29072, MedGen C3279992, MONDO:0013602, OMIM 614165.

Submission:

Labcorp Genetics (formerly Invitae), Labcorp
Classification: Uncertain significance for Pheochromocytoma/paraganglioma syndrome 5; Mitochondrial complex II deficiency, nuclear type 1. Last evaluated: 2023-12-06. Review status: criteria provided, single submitter. Criteria: Invitae Variant Classification Sherloc (09022015). Collection method: clinical testing. Allele origin: germline.
Comment: This sequence change falls in intron 13 of the SDHA gene. It does not directly change the encoded amino acid sequence of the SDHA protein. It affects a nucleotide within the consensus splice site. This variant is not present in population databases (gnomAD no frequency). This variant has not been reported in the literature in individuals affected with SDHA-related conditions. Variants that disrupt the consensus splice site are a relatively common cause of aberrant splicing (PMID: 17576681, 9536098). Algorithms developed to predict the effect of sequence changes on RNA splicing suggest that this variant is not likely to affect RNA splicing. In summary, the available evidence is currently insufficient to determine the role of this variant in disease. Therefore, it has been classified as a Variant of Uncertain Significance.

Literature cited by the submitters: PubMed 17576681; PubMed 9536098.